The following is an entry in ClinVar:

NM_006734.4(HIVEP2):c.5900del (p.Ser1967fs)

Gene: HIVEP2 (HIVEP zinc finger 2; minus strand). Cytogenetic location: 6q24.2.
Variant type: Deletion.
Coding change: c.5900del on transcript NM_006734.4 (MANE Select); coding-DNA position 5900, one base deleted (C; older notation c.5900delC).
Protein change: p.Ser1967fs; shifts the reading frame from serine 1967.
Molecular consequence: frameshift variant.
Genome position (GRCh38, 1-based): chr6:142,760,388, G deleted on the plus strand (C on the coding strand, the reverse complement: HIVEP2 is on the minus strand). VCF-style (leftmost placement, unchanged base first): chr6-142760387-CG-C. GRCh37 (hg19) VCF-style: chr6-143081524-CG-C.
Other names: c.5900delC (NM_006734.4); short protein forms S1967fs.
Identifiers: ClinVar variation 422837 (VCV000422837.4), dbSNP rs1064796034, ClinGen allele CA16618248.

ClinVar aggregate classification (germline): Pathogenic (1 of 4 stars; one submission).

Conditions:
Intellectual developmental disorder, autosomal dominant 43. Also called: Intellectual disability, autosomal dominant 43. Identifiers: MedGen C4707429, MONDO:0014858, OMIM 616977.

Submission:

GeneDx
Classification: Pathogenic. Last evaluated: 2016-12-21. Review status: criteria provided, single submitter. Criteria: GeneDx Variant Classification (06012015). Collection method: clinical testing. Allele origin: germline. Affected: yes.
Comment: The c.5900delC variant in the HIVEP2 gene has not been reported previously as a pathogenic variant nor as a benign variant, to our knowledge. The c.5900delC variant causes a frameshift starting with codon Serine 1967, changes this amino acid to a Cysteine residue, and creates a premature Stop codon at position 2 of the new reading frame, denoted p.Ser1967CysfsX2. This variant is predicted to cause loss of normal protein function either through protein truncation or nonsense-mediated mRNA decay. The c.5900delC variant was not observed in approximately 6,000 individuals of European and African American ancestry in the NHLBI Exome Sequencing Project, indicating it is not a common benign variant in these populations. We interpret c.5900delC as a pathogenic variant.